The following is an entry in ClinVar:

ClinVar aggregate classification (germline): Uncertain significance (1 of 4 stars; one submission).

Submission:

GeneDx
Classification: Uncertain significance. Last evaluated: 2022-08-12. Review status: criteria provided, single submitter. Criteria: GeneDx Variant Classification Process June 2021. Collection method: clinical testing. Allele origin: germline. Affected: yes.
Comment: Not observed at significant frequency in large population cohorts (gnomAD); In-frame insertion of 2 amino acids in a non-repeat region; Has not been previously published as pathogenic or benign to our knowledge

NM_001257291.2(SLC9A7):c.77_82dup (p.Leu27_Leu28insProLeu)

Genes: SLC9A7 (solute carrier family 9 member A7; minus strand), LOC130068197 (ATAC-STARR-seq lymphoblastoid silent region 20793; plus strand). Cytogenetic location: Xp11.3.
Variant type: Duplication.
Coding change: c.77_82dup on transcript NM_001257291.2 (MANE Select); coding-DNA positions 77 to 82, 6 bases duplicated (CGCTGC; older notation c.77_82dupCGCTGC).
Protein change: p.Leu27_Leu28insProLeu.
Molecular consequence: inframe insertion.
Genome position (GRCh38, 1-based): chrX:46,758,948-46,758,953, GCAGCG duplicated on the plus strand (CGCTGC on the coding strand, the reverse complement: SLC9A7 is on the minus strand); duplicating any 6 consecutive bases within chrX:46,758,948-46,758,958 gives the same sequence; the c. name uses the placement nearest the transcript's 3' end. VCF-style (leftmost placement, unchanged base first): chrX-46758947-A-AGCAGCG. GRCh37 (hg19) VCF-style: chrX-46618382-A-AGCAGCG.
Other names: c.77_82dup, p.Leu27_Leu28insProLeu (NM_032591.3).
Identifiers: ClinVar variation 2442705 (VCV002442705.1), dbSNP rs1490773156, ClinGen allele CA875782293.